The following is an entry in ClinVar:

NM_004970.3(IGFALS):c.860C>T (p.Pro287Leu)

Gene: IGFALS (insulin like growth factor binding protein acid labile subunit; minus strand). Cytogenetic location: 16p13.3.
Variant type: single nucleotide variant.
Coding change: c.860C>T on transcript NM_004970.3 (MANE Select); coding-DNA position 860, C replaced by T.
Protein change: p.Pro287Leu; replaces proline 287 with leucine.
Molecular consequence: missense variant. On other transcripts: non-coding transcript variant (1).
Genome position (GRCh38, 1-based): chr16:1,791,558, G>A on the plus strand (C>T on the coding strand, the complement: IGFALS is on the minus strand). VCF-style: chr16-1791558-G-A. GRCh37 (hg19) VCF-style: chr16-1841559-G-A.
Other names: c.974C>T, p.Pro325Leu (NM_001146006.2); short protein forms P325L, P287L.
Identifiers: ClinVar variation 774919 (VCV000774919.38), dbSNP rs35706152, ClinGen allele CA7820473.

ClinVar aggregate classification (germline): Conflicting classifications of pathogenicity. Review status: criteria provided, conflicting classifications (1 of 4 stars). 7 submissions from 7 submitters: Uncertain significance (1); Likely benign (4). 2 of the submissions do not count toward it. Last evaluated 2026-08-01.

Conditions:
Short stature due to primary acid-labile subunit deficiency. Also called: Acid-labile subunit, deficiency of; Acid-labile subunit deficiency. Identifiers: Orphanet 140941, MedGen C3900122, MONDO:0014420, OMIM 615961.

Allele frequency attached by ClinVar (database versions not stated): gnomAD exomes 0.00590 and 0.00353; 1000 Genomes Project 0.00280; 1000 Genomes Project 30x 0.00281; ESP Exome Variant Server 0.00420; gnomAD 0.00425 and 0.00428; TOPMed 0.00436; ExAC 0.00508.

Submissions (7):

CeGaT Center for Human Genetics Tuebingen
Classification: Likely benign. Last evaluated: 2026-08-01. Review status: criteria provided, single submitter. Criteria: CeGaT Center For Human Genetics Tuebingen Variant Classification Criteria Version 2. Collection method: clinical testing. Allele origin: germline. Affected: yes. Observed: 3 variant alleles.
Comment: IGFALS: BS2

Women's Health and Genetics/Laboratory Corporation of America, LabCorp
Classification: Likely benign. Last evaluated: 2026-06-03. Review status: criteria provided, single submitter. Criteria: LabCorp Variant Classification Summary - May 2015. Collection method: clinical testing. Allele origin: germline.
Comment: Variant summary: IGFALS c.860C>T (p.Pro287Leu) results in a non-conservative amino acid change in the encoded protein sequence. Algorithms developed to predict the effect of missense changes on protein structure and function are either unavailable or do not agree on the potential impact of this missense change. The variant allele was found at a frequency of 0.0035 in 175754 control chromosomes, predominantly at a frequency of 0.0061 within the Non-Finnish European subpopulation in the gnomAD database, including 2 homozygotes. The observed variant frequency within Non-Finnish European control individuals in the gnomAD database exceeds the estimated maximal expected allele frequency for disease-causing variants in IGFALS. c.860C>T has been observed in individuals affected with short stature, without strong evidence of causality (e.g. Domene_2013, Wit_2012, Plachy_2019). These reports do not provide unequivocal conclusions about association of the variant with disease. At least one publication reports experimental evidence evaluating an impact on protein function (e.g. Martucci_2016). Specifically, via transient transfection of CHO cells, Western immunoblot analysis demonstrated that the variant was present in both cell lysates and cell media with a similar molecular weight as wild-type acid-labile subunit ALS. Furthermore, in vitro ternary complex formation studies showed that the variant retained it's ability to form ternary complexes. The following publications have been ascertained in the context of this evaluation (PMID: 24335034, 30753492, 22678306, 27018247). ClinVar contains an entry for this variant (Variation ID: 774919). Based on the evidence outlined above, the variant was classified as likely benign.

Blueprint Genetics
Classification: Likely benign. Last evaluated: 2024-11-19. Review status: criteria provided, single submitter. Criteria: ACMG Guidelines, 2015. Collection method: clinical testing. Allele origin: germline.

Labcorp Genetics (formerly Invitae), Labcorp
Classification: Likely benign. Last evaluated: 2019-12-31. Review status: criteria provided, single submitter. Criteria: Invitae Variant Classification Sherloc (09022015). Collection method: clinical testing. Allele origin: germline.

Illumina Laboratory Services, Illumina
Classification: Uncertain significance for Short stature due to primary acid-labile subunit deficiency. Last evaluated: 2017-04-27. Review status: criteria provided, single submitter. Criteria: ICSL Variant Classification Criteria 13 December 2019. Collection method: clinical testing. Allele origin: germline.
Comment: This variant was observed as part of a predisposition screen in an ostensibly healthy population. A literature search was performed for the gene, cDNA change, and amino acid change (where applicable). Publications were found based on this search. However, the evidence from the literature, in combination with allele frequency data from public databases where available, was not sufficient to rule this variant in or out of causing disease. Therefore, this variant is classified as a variant of unknown significance.

Clinical Genetics DNA and cytogenetics Diagnostics Lab, Erasmus MC, Erasmus Medical Center
Classification: Likely benign. Review status: no assertion criteria provided. Collection method: clinical testing. Allele origin: germline. Affected: yes. Study: VKGL Data-share Consensus. Not counted in ClinVar's aggregate classification.

Laboratory of Diagnostic Genome Analysis, Leiden University Medical Center (LUMC)
Classification: Likely benign. Review status: no assertion criteria provided. Collection method: clinical testing. Allele origin: germline. Affected: yes. Study: VKGL Data-share Consensus. Not counted in ClinVar's aggregate classification.

Literature cited by the submitters: PubMed 24335034 (cited by Women's Health and Genetics/Laboratory Corporation of America, LabCorp and Illumina Laboratory Services, Illumina); PubMed 22678306 (cited by Women's Health and Genetics/Laboratory Corporation of America, LabCorp and Illumina Laboratory Services, Illumina); PubMed 30753492 (cited by Women's Health and Genetics/Laboratory Corporation of America, LabCorp); PubMed 27018247 (cited by Women's Health and Genetics/Laboratory Corporation of America, LabCorp).